The following is an entry in ClinVar:

ClinVar aggregate classification (germline): Likely benign. Review status: criteria provided, multiple submitters, no conflicts (2 of 4 stars). 2 submissions from 2 submitters: Likely benign (2). Last evaluated 2026-02-13.

Conditions:
MHC class I deficiency. Identifiers: Orphanet 34592, MedGen C6024714, MONDO:0011476.

Allele frequency attached by ClinVar (database versions not stated): gnomAD exomes 0.00054; 1000 Genomes Project 0.00180; gnomAD 0.00187 and 0.00200; ExAC 0.00065; ESP Exome Variant Server 0.00215; TOPMed 0.00219; 1000 Genomes Project 30x 0.00234.
gnomAD v4.1: 650 of 1,613,762 alleles (0.04%); highest among the groups gnomAD compares: African/African-American, 0.63%; 3 homozygotes.

Submissions (2):

Women's Health and Genetics/Laboratory Corporation of America, LabCorp
Classification: Likely benign. Last evaluated: 2026-02-13. Review status: criteria provided, single submitter. Criteria: LabCorp Variant Classification Summary - May 2015. Collection method: clinical testing. Allele origin: germline.
Comment: Variant summary: TAPBP c.1234G>A (p.Asp412Asn) results in a conservative amino acid change in the encoded protein sequence. Algorithms developed to predict the effect of missense changes on protein structure and function are either unavailable or do not agree on the potential impact of this missense change. The variant allele was found at a frequency of 0.00054 in 251036 control chromosomes, predominantly at a frequency of 0.0062 within the African or African-American subpopulation in the gnomAD database. The observed variant frequency within African or African-American control individuals in the gnomAD database exceeds the estimated maximal expected allele frequency for disease-causing variants in TAPBP. To our knowledge, no occurrence of c.1234G>A in individuals affected with TAPBP-related conditions and no experimental evidence demonstrating its impact on protein function have been reported. ClinVar contains an entry for this variant (Variation ID: 534736). Based on the evidence outlined above, the variant was classified as likely benign.

Labcorp Genetics (formerly Invitae), Labcorp
Classification: Likely benign for MHC class I deficiency 1. Last evaluated: 2026-01-21. Review status: criteria provided, single submitter. Criteria: Invitae Variant Classification Sherloc (09022015). Collection method: clinical testing. Allele origin: germline.

NM_003190.5(TAPBP):c.1234G>A (p.Asp412Asn)

Gene: TAPBP (TAP binding protein; minus strand). Cytogenetic location: 6p21.32.
Variant type: single nucleotide variant.
Coding change: c.1234G>A on transcript NM_003190.5 (MANE Select); coding-DNA position 1234, G replaced by A.
Protein change: p.Asp412Asn; replaces aspartic acid 412 with asparagine.
Molecular consequence: missense variant.
Genome position (GRCh38, 1-based): chr6:33,304,194, C>T on the plus strand (G>A on the coding strand, the complement: TAPBP is on the minus strand). VCF-style: chr6-33304194-C-T. GRCh37 (hg19) VCF-style: chr6-33271971-C-T.
Other names: c.1234G>A, p.Asp412Asn (NM_172208.3); c.973G>A, p.Asp325Asn (NM_172209.3); short protein forms D412N, D325N.
Identifiers: ClinVar variation 534736 (VCV000534736.13), dbSNP rs138516982, ClinGen allele CA3755681.